The following is an entry in ClinVar:

ClinVar aggregate classification (germline): Uncertain significance (1 of 4 stars; one submission).

Allele frequency attached by ClinVar (database versions not stated): gnomAD 0.00001.
gnomAD v4.1: 1 of 1,613,182 alleles (0.000062%); no homozygotes.

Submission:

GeneDx
Classification: Uncertain significance. Last evaluated: 2022-06-19. Review status: criteria provided, single submitter. Criteria: GeneDx Variant Classification Process June 2021. Collection method: clinical testing. Allele origin: germline. Affected: yes.
Comment: Not observed at significant frequency in large population cohorts (gnomAD); In silico analysis, which includes protein predictors and evolutionary conservation, supports that this variant does not alter protein structure/function; Has not been previously published as pathogenic or benign to our knowledge

NM_003470.3(USP7):c.2896A>G (p.Thr966Ala)

Gene: USP7 (ubiquitin specific peptidase 7; minus strand). Cytogenetic location: 16p13.2.
Variant type: single nucleotide variant.
Coding change: c.2896A>G on transcript NM_003470.3 (MANE Select); coding-DNA position 2896, A replaced by G.
Protein change: p.Thr966Ala; replaces threonine 966 with alanine.
Molecular consequence: missense variant. On other transcripts: non-coding transcript variant (1).
Genome position (GRCh38, 1-based): chr16:8,895,665, T>C on the plus strand (A>G on the coding strand, the complement: USP7 is on the minus strand). VCF-style: chr16-8895665-T-C. GRCh37 (hg19) VCF-style: chr16-8989522-T-C.
Other names: c.2848A>G, p.Thr950Ala (NM_001286457.2); c.2599A>G, p.Thr867Ala (NM_001286458.2); c.2722A>G, p.Thr908Ala (NM_001321858.2); short protein forms T867A, T908A, T950A, T966A.
Identifiers: ClinVar variation 1315988 (VCV001315988.3), dbSNP rs2061670191, ClinGen allele CA394696158.